The following is an entry in ClinVar:

NM_145038.5(DRC1):c.1925C>A (p.Ser642Ter)

Gene: DRC1 (dynein regulatory complex subunit 1; plus strand). Cytogenetic location: 2p23.3.
Variant type: single nucleotide variant.
Coding change: c.1925C>A on transcript NM_145038.5 (MANE Select); coding-DNA position 1925, C replaced by A.
Protein change: p.Ser642Ter; replaces serine 642 with a stop codon.
Molecular consequence: nonsense.
Genome position (GRCh38, 1-based): chr2:26,454,652, C>A. VCF-style: chr2-26454652-C-A. GRCh37 (hg19) VCF-style: chr2-26677520-C-A.
Other names: short protein forms S642*.
Identifiers: ClinVar variation 3696711 (VCV003696711.4).

ClinVar aggregate classification (germline): Pathogenic/Likely pathogenic. Review status: criteria provided, multiple submitters, no conflicts (2 of 4 stars). 2 submissions from 2 submitters: Pathogenic (1); Likely pathogenic (1). Last evaluated 2025-10-17.

Conditions:
Spermatogenic failure 80 (SPGF80). Identifiers: MedGen C5774301, MONDO:0859364, OMIM 620222.
Primary ciliary dyskinesia. Also called: Ciliary dyskinesia. Identifiers: Orphanet 244, MedGen C0008780, MONDO:0016575, HP:0012265.

gnomAD v4.1: 2 of 1,614,020 alleles (0.00012%); highest among the groups gnomAD compares: Non-Finnish European, 0.00017%; no homozygotes.

Submissions (2):

Dasa
Classification: Likely pathogenic for Spermatogenic failure 80. Last evaluated: 2025-10-17. Review status: criteria provided, single submitter. Criteria: DASA Assertion Criteria. Collection method: clinical testing. Allele origin: germline.
Comment: NM_145038.5(DRC1):c.1925C>A (p.Ser642*) is a nonsense variant in DRC1 predicted to introduce a premature termination codon and is predicted to result in an absent or altered protein product. Loss of function is an established disease mechanism for DRC1-associated disorders. Also, this variant is rare in population databases. Based on the currently available evidence, this variant is classified as likely pathogenic.

Labcorp Genetics (formerly Invitae), Labcorp
Classification: Pathogenic for Primary ciliary dyskinesia. Last evaluated: 2025-10-14. Review status: criteria provided, single submitter. Criteria: Invitae Variant Classification Sherloc (09022015). Collection method: clinical testing. Allele origin: germline.
Comment: This sequence change creates a premature translational stop signal (p.Ser642*) in the DRC1 gene. It is expected to result in an absent or disrupted protein product. Loss-of-function variants in DRC1 are known to be pathogenic (PMID: 23354437, 31960620). This variant is not present in population databases (gnomAD no frequency). This variant has not been reported in the literature in individuals affected with DRC1-related conditions. ClinVar contains an entry for this variant (Variation ID: 3696711). For these reasons, this variant has been classified as Pathogenic.

Literature cited by the submitters: PubMed 23354437 (cited by Labcorp Genetics (formerly Invitae), Labcorp); PubMed 31960620 (cited by Labcorp Genetics (formerly Invitae), Labcorp).